The following is an entry in ClinVar:

ClinVar aggregate classification (germline): Likely benign. Review status: criteria provided, multiple submitters, no conflicts (2 of 4 stars). 4 submissions from 4 submitters: Likely benign (4). Last evaluated 2025-08-12.

Allele frequency attached by ClinVar (database versions not stated): ExAC below 0.00001; gnomAD exomes 0.00001; gnomAD 0.00017 and 0.00019; TOPMed 0.00018.
gnomAD v4.1: 42 of 1,594,750 alleles (0.0026%); highest among the groups gnomAD compares: African/African-American, 0.046%; no homozygotes.

Submissions (4):

Mayo Clinic Laboratories, Mayo Clinic
Classification: Likely benign. Last evaluated: 2025-08-12. Review status: criteria provided, single submitter. Criteria: ACMG Guidelines, 2015. Collection method: clinical testing. Allele origin: germline. Observed: 1 variant allele.
Comment: BS2, BP4, BP7

Labcorp Genetics (formerly Invitae), Labcorp
Classification: Likely benign. Last evaluated: 2025-01-05. Review status: criteria provided, single submitter. Criteria: Invitae Variant Classification Sherloc (09022015). Collection method: clinical testing. Allele origin: germline.

Athena Diagnostics
Classification: Likely benign. Last evaluated: 2019-12-30. Review status: criteria provided, single submitter. Criteria: Athena Diagnostics Criteria. Collection method: clinical testing. Allele origin: unknown.

Blueprint Genetics
Classification: Likely benign. Last evaluated: 2019-11-30. Review status: criteria provided, single submitter. Criteria: ACMG Guidelines, 2015. Collection method: clinical testing. Allele origin: germline.

NM_000435.3(NOTCH3):c.6684C>T (p.Ser2228=)

Gene: NOTCH3 (notch receptor 3; minus strand). Cytogenetic location: 19p13.12.
Variant type: single nucleotide variant.
Coding change: c.6684C>T on transcript NM_000435.3 (MANE Select); coding-DNA position 6684, C replaced by T.
Protein change: p.Ser2228=; no amino-acid change (serine 2228 retained).
Molecular consequence: synonymous variant.
Genome position (GRCh38, 1-based): chr19:15,160,944, G>A on the plus strand (C>T on the coding strand, the complement: NOTCH3 is on the minus strand). VCF-style: chr19-15160944-G-A. GRCh37 (hg19) VCF-style: chr19-15271755-G-A.
Other names: p.Ser2228=.
Identifiers: ClinVar variation 778982 (VCV000778982.8), dbSNP rs755461072, ClinGen allele CA9262321.